The following is an entry in ClinVar:

ClinVar aggregate classification (germline): Pathogenic (1 of 4 stars; one submission).

Conditions:
Ehlers-Danlos syndrome, dermatosparaxis type. Also called: EDS VIIC; Ehlers-Danlos syndrome, type VII, autosomal recessive; Dermatosparaxis. Identifiers: Orphanet 1901, MedGen C2700425, MONDO:0009161, OMIM 225410.

Submission:

Labcorp Genetics (formerly Invitae), Labcorp
Classification: Pathogenic for Ehlers-Danlos syndrome, dermatosparaxis type. Last evaluated: 2020-12-03. Review status: criteria provided, single submitter. Criteria: Invitae Variant Classification Sherloc (09022015). Collection method: clinical testing. Allele origin: germline.
Comment: For these reasons, this variant has been classified as Pathogenic. Loss-of-function variants in ADAMTS2 are known to be pathogenic (PMID: 10417273). This variant has not been reported in the literature in individuals with ADAMTS2-related conditions. This variant is a gross deletion of the genomic region encompassing exon(s) 1-3 of the ADAMTS2 gene, which includes the initiator codon. The 5' end of this event is unknown as it extends beyond the assayed region for this gene and therefore may encompass additional genes. The 3' boundary is likely confined to intron 3 of the ADAMTS2 gene. This is expected to result in an absent or disrupted protein product.

Literature cited by the submitters: PubMed 10417273.

NC_000005.9:g.(?_178699902)_(178772339_?)del

Gene: ADAMTS2 (ADAM metallopeptidase with thrombospondin type 1 motif 2; minus strand). Cytogenetic location: 5q35.3.
Variant type: Deletion.
Identifiers: ClinVar variation 1069859 (VCV001069859.7).